The following is an entry in ClinVar:

NM_001128148.3(TFRC):c.1318+3A>G

Gene: TFRC (transferrin receptor; minus strand). Cytogenetic location: 3q29.
Variant type: single nucleotide variant.
Coding change: c.1318+3A>G on transcript NM_001128148.3 (MANE Select); 3 bases into the intron after coding-DNA position 1318, A replaced by G.
Molecular consequence: intron variant.
Genome position (GRCh38, 1-based): chr3:196,064,306, T>C on the plus strand (A>G on the coding strand, the complement: TFRC is on the minus strand). VCF-style: chr3-196064306-T-C. GRCh37 (hg19) VCF-style: chr3-195791177-T-C.
Other names: c.472+3A>G (NM_001313966.2); c.1075+3A>G (NM_001313965.2); c.1318+3A>G (NM_003234.4).
Identifiers: ClinVar variation 4728461 (VCV004728461.1).

ClinVar aggregate classification (germline): Uncertain significance (1 of 4 stars; one submission).

gnomAD v4.1: 1 of 1,606,380 alleles (0.000062%); highest among the groups gnomAD compares: Non-Finnish European, 0.000085%; no homozygotes.

Submission:

Labcorp Genetics (formerly Invitae), Labcorp
Classification: Uncertain significance. Last evaluated: 2025-12-16. Review status: criteria provided, single submitter. Criteria: Invitae Variant Classification Sherloc (09022015). Collection method: clinical testing. Allele origin: germline.
Comment: This sequence change falls in intron 11 of the TFRC gene. It does not directly change the encoded amino acid sequence of the TFRC protein. It affects a nucleotide within the consensus splice site. This variant is not present in population databases (gnomAD no frequency). This variant has not been reported in the literature in individuals affected with TFRC-related conditions. Variants that disrupt the consensus splice site are a relatively common cause of aberrant splicing (PMID: 17576681, 9536098). Algorithms developed to predict the effect of sequence changes on RNA splicing suggest that this variant may disrupt the consensus splice site. In summary, the available evidence is currently insufficient to determine the role of this variant in disease. Therefore, it has been classified as a Variant of Uncertain Significance.

Literature cited by the submitters: PubMed 17576681; PubMed 9536098.